The following is an entry in ClinVar:

ClinVar aggregate classification (germline): Conflicting classifications of pathogenicity. Review status: criteria provided, conflicting classifications (1 of 4 stars). 12 submissions from 12 submitters: Uncertain significance (4); Likely benign (5). 3 of the submissions do not count toward it. Last evaluated 2026-02-03.

Conditions:
Hereditary cancer-predisposing syndrome. Also called: Neoplastic Syndromes, Hereditary; Hereditary Cancer Syndrome; Hereditary neoplastic syndrome; Tumor predisposition. Identifiers: Orphanet 140162, MedGen C0027672, MeSH D009386, MONDO:0015356.
Hereditary breast ovarian cancer syndrome. Also called: Hereditary breast and ovarian cancer syndrome; Hereditary breast and/or ovarian cancer syndrome; BRCA1- and BRCA2-Associated Hereditary Breast and Ovarian Cancer; Hereditary breast and ovarian cancer; Breast and ovarian cancer; Hereditary breast and ovarian cancer syndrome (HBOC). Identifiers: Orphanet 145, MedGen C0677776, MeSH D061325, MONDO:0003582. Disease mechanism: loss of function.
Endometrial carcinoma. Also called: Endometrial carcinoma, somatic. Identifiers: MedGen C0476089, MONDO:0002447, OMIM 608089, HP:0012114.
Familial cancer of breast. Also called: Hereditary breast cancer; hereditary breast carcinoma; BREAST CANCER, FAMILIAL. Identifiers: Orphanet 227535, MedGen C0346153, MONDO:0016419, OMIM 114480. Disease mechanism: loss of function.
Fanconi anemia complementation group N. Also called: PALB2-Related Fanconi Anemia. Identifiers: Orphanet 84, MedGen C1835817, MONDO:0012565, OMIM 610832. Disease mechanism: loss of function.

Allele frequency attached by ClinVar (database versions not stated): gnomAD 0.00002 and 0.00003; gnomAD exomes 0.00002 and 0.00009; TOPMed 0.00005; ExAC 0.00007.
gnomAD v4.1: 29 of 1,614,116 alleles (0.0018%); highest among the groups gnomAD compares: East Asian, 0.062%; no homozygotes.

Submissions (12):

Labcorp Genetics (formerly Invitae), Labcorp
Classification: Likely benign for Familial cancer of breast. Last evaluated: 2026-02-03. Review status: criteria provided, single submitter. Criteria: Invitae Variant Classification Sherloc (09022015). Collection method: clinical testing. Allele origin: germline.

Mayo Clinic Laboratories, Mayo Clinic
Classification: Likely benign. Last evaluated: 2025-06-10. Review status: criteria provided, single submitter. Criteria: ACMG Guidelines, 2015. Collection method: clinical testing. Allele origin: germline. Observed: 1 variant allele.
Comment: BS1

Quest Diagnostics Nichols Institute San Juan Capistrano
Classification: Uncertain significance. Last evaluated: 2024-03-06. Review status: criteria provided, single submitter. Criteria: Quest Diagnostics criteria. Collection method: clinical testing. Allele origin: unknown.
Comment: The PALB2 c.1955G>A (p.Ser652Asn) variant has been reported in the published literature in individuals affected with breast cancer (PMID: 28664506 (2017), 28580595 (2018), 28825143 (2017), 30287823 (2018), 33471991 (2021)) and non-small cell lung cancer (PMID: 35087742 (2021)). This variant has also been identified in reportedly healthy individuals (PMID: 33471991 (2021))). The frequency of this variant in the general population, 0.0012 (18/14424 chromosomes (Genome Aggregation Database)), is uninformative in the assessment of its pathogenicity. Analysis of this variant using bioinformatics tools for the prediction of the effect of amino acid changes on protein structure and function yielded predictions that this variant is benign. Based on the available information, we are unable to determine the clinical significance of this variant.

Myriad Genetics, Inc.
Classification: Uncertain significance for Familial cancer of breast. Last evaluated: 2023-03-31. Review status: criteria provided, single submitter. Criteria: Myriad Autosomal Dominant, Autosomal Recessive and X-Linked Classification Criteria (2023). Collection method: clinical testing. Allele origin: unknown.
Comment: This variant is classified as a variant of uncertain significance as there is insufficient evidence to determine its impact on protein function and/or cancer risk.

GeneDx
Classification: Likely benign. Last evaluated: 2020-11-09. Review status: criteria provided, single submitter. Criteria: GeneDx Variant Classification Process June 2021. Collection method: clinical testing. Allele origin: germline. Affected: yes.
Comment: This variant is associated with the following publications: (PMID: 28664506, 25256751, 28825143, 28580595, 30287823, 32566746)

Cancer Genomics Group, Japanese Foundation For Cancer Research
Classification: Uncertain significance for Hereditary breast and ovarian cancer syndrome. Last evaluated: 2019-05-01. Review status: criteria provided, single submitter. Criteria: ACMG Guidelines, 2015. Collection method: research. Allele origin: germline. Affected: yes.

Ambry Genetics
Classification: Likely benign for Hereditary cancer-predisposing syndrome. Last evaluated: 2018-03-08. Review status: criteria provided, single submitter. Criteria: Ambry Variant Classification Scheme 2023. Collection method: clinical testing. Allele origin: germline.

Illumina Laboratory Services, Illumina
Classification: Uncertain significance for Fanconi anemia complementation group N. Last evaluated: 2018-01-12. Review status: criteria provided, single submitter. Criteria: ICSL Variant Classification Criteria 13 December 2019. Collection method: clinical testing. Allele origin: germline.

Color Diagnostics, LLC DBA Color Health
Classification: Likely benign for Hereditary cancer-predisposing syndrome. Last evaluated: 2017-01-13. Review status: criteria provided, single submitter. Criteria: ACMG Guidelines, 2015. Collection method: clinical testing. Allele origin: germline.

Leiden Open Variation Database
Classification: Benign. Last evaluated: 2018-10-10. Review status: no assertion criteria provided. Collection method: curation. Allele origin: germline. Affected: yes. Not counted in ClinVar's aggregate classification.
Comment: Curators: Marc Tischkowitz, Arleen D. Auerbach. Submitter to LOVD: Yukihide Momozawa.

Counsyl
Classification: Uncertain significance for Familial cancer of breast. Last evaluated: 2015-12-08. Review status: no assertion criteria provided. Collection method: clinical testing. Allele origin: unknown. Not counted in ClinVar's aggregate classification.

Department of Pathology and Laboratory Medicine, Sinai Health System
Classification: Likely benign for Endometrial carcinoma. Review status: no assertion criteria provided. Collection method: clinical testing. Allele origin: unknown. Affected: yes. Observed: 1 variant allele. Study: The Canadian Open Genetics Repository (COGR). Not counted in ClinVar's aggregate classification.
Comment: The PALB2 p.Ser652Asn variant was identified in 7 of 4558 proband chromosomes (frequency: 0.0015) from individuals or families with breast cancer (Zhang 2017). The variant was also identified in dbSNP (ID: rs587781818) as "With other allele" and ClinVar (classified as likely benign by Ambry Genetics and Invitae and classified as uncertain significance by Counsyl). The variant was not identified in Cosmic, LOVD 3.0, or the Zhejiang University Database. The variant was identified in control databases in 23 of 277170 chromosomes at a frequency of 0.00008 (Genome Aggregation Database Feb 27, 2017). The variant was observed in the following populations: East Asian in 22 of 18870 chromosomes (freq: 0.001) and Other in 1 of 6468 chromosomes (freq: 0.00015), while the variant was not observed in the African, Latino, European, Ashkenazi Jewish, Finnish, or South Asian populations. The p.Ser652 residue is not conserved in mammals and computational analyses (PolyPhen-2, SIFT, AlignGVGD, BLOSUM, MutationTaster) do not suggest a high likelihood of impact to the protein; however, this information is not predictive enough to rule out pathogenicity. The variant occurs outside of the splicing consensus sequence and 1 of 4 in silico or computational prediction software programs (SpliceSiteFinder, MaxEntScan, NNSPLICE, GeneSplicer) predicts a greater than 10% difference in splicing; this is not very predictive of pathogenicity. In summary, based on the above information, the clinical significance of this variant cannot be determined with certainty at this time although we would lean towards a more benign role for this variant. This variant is classified as likely benign.

Literature cited by the submitters: PubMed 33471991 (cited by Quest Diagnostics Nichols Institute San Juan Capistrano); PubMed 35087742 (cited by Quest Diagnostics Nichols Institute San Juan Capistrano); PubMed 30287823 (cited by Quest Diagnostics Nichols Institute San Juan Capistrano and Leiden Open Variation Database); PubMed 28664506 (cited by Quest Diagnostics Nichols Institute San Juan Capistrano); PubMed 28580595 (cited by Quest Diagnostics Nichols Institute San Juan Capistrano); PubMed 28825143 (cited by Quest Diagnostics Nichols Institute San Juan Capistrano).

NM_024675.4(PALB2):c.1955G>A (p.Ser652Asn)

Gene: PALB2 (partner and localizer of BRCA2; minus strand). Cytogenetic location: 16p12.2.
Variant type: single nucleotide variant.
Coding change: c.1955G>A on transcript NM_024675.4 (MANE Select); coding-DNA position 1955, G replaced by A.
Protein change: p.Ser652Asn; replaces serine 652 with asparagine.
Molecular consequence: missense variant.
Genome position (GRCh38, 1-based): chr16:23,630,199, C>T on the plus strand (G>A on the coding strand, the complement: PALB2 is on the minus strand). VCF-style: chr16-23630199-C-T. GRCh37 (hg19) VCF-style: chr16-23641520-C-T.
Other names: p.Ser652Asn; short protein forms S652N.
Identifiers: ClinVar variation 141528 (VCV000141528.34), dbSNP rs587781818, ClinGen allele CA165693.